The following is an entry in ClinVar:

ClinVar aggregate classification (germline): Conflicting classifications of pathogenicity. Review status: criteria provided, conflicting classifications (1 of 4 stars). 4 submissions from 4 submitters: Pathogenic (2); Likely pathogenic (1); Uncertain significance (1). Last evaluated 2024-04-08.

Conditions:
Cataract 22 multiple types. Also called: CATARACT 22, NUCLEAR, AUTOSOMAL RECESSIVE; CATARACT 22, MULTIPLE TYPES, AUTOSOMAL DOMINANT; Cataract 22. Identifiers: Orphanet 91492, MedGen C1857853, MONDO:0012336, OMIM 609741.

Allele frequency attached by ClinVar (database versions not stated): gnomAD 0.00001; TOPMed 0.00001.

Submissions (4):

Labcorp Genetics (formerly Invitae), Labcorp
Classification: Pathogenic for Cataract 22 multiple types. Last evaluated: 2024-04-08. Review status: criteria provided, single submitter. Criteria: Invitae Variant Classification Sherloc (09022015). Collection method: clinical testing. Allele origin: germline.
Comment: This sequence change replaces glycine, which is neutral and non-polar, with arginine, which is basic and polar, at codon 156 of the CRYBB3 protein (p.Gly156Arg). This variant is present in population databases (no rsID available, gnomAD 0.01%). This missense change has been observed in individual(s) with autosomal dominant congenital cataract (PMID: 27307692, 32830442, 33510601, 34014271). In at least one individual the variant was observed to be de novo. ClinVar contains an entry for this variant (Variation ID: 534700). An algorithm developed to predict the effect of missense changes on protein structure and function (PolyPhen-2) suggests that this variant is likely to be disruptive. This variant disrupts the p.Gly156 amino acid residue in CRYBB3. Other variant(s) that disrupt this residue have been observed in individuals with CRYBB3-related conditions (PMID: 34356085), which suggests that this may be a clinically significant amino acid residue. For these reasons, this variant has been classified as Pathogenic.

3billion
Classification: Likely pathogenic for Cataract 22 multiple types. Last evaluated: 2023-12-27. Review status: criteria provided, single submitter. Criteria: ACMG Guidelines, 2015. Collection method: clinical testing. Allele origin: germline. Affected: yes.
Comment: The variant is observed at an extremely low frequency in the gnomAD v2.1.1 dataset (total allele frequency: 0.003%). Predicted Consequence/Location: Missense changes are a common disease-causing mechanism. In silico tool predictions suggest damaging effect of the variant on gene or gene product [REVEL: 0.96 (>=0.6, sensitivity 0.68 and specificity 0.92)]. Same nucleotide change resulting in same amino acid change has been previously reported to be associated with CRYBB3 related disorder (ClinVar ID: VCV000534700). The variant has been previously reported as assumed (i.e. paternity and maternity not confirmed) de novo in at least one similarly affected unrelated individual (PMID: 33510601). A different missense change at the same codon (p.Gly156Glu) has been reported to be associated with CRYBB3 related disorder (ClinVar ID: VCV001704644 /PMID: 34356085). Therefore, this variant is classified as Likely pathogenic according to the recommendation of ACMG/AMP guideline.

GeneDx
Classification: Pathogenic. Last evaluated: 2023-01-17. Review status: criteria provided, single submitter. Criteria: GeneDx Variant Classification Process June 2021. Collection method: clinical testing. Allele origin: germline. Affected: yes.
Comment: Not observed at significant frequency in large population cohorts (gnomAD); In silico analysis supports that this missense variant has a deleterious effect on protein structure/function; This variant is associated with the following publications: (PMID: 35011756, 33494148, 33510601, 27307692, 34014271, 32830442)

CeGaT Center for Human Genetics Tuebingen
Classification: Uncertain significance. Last evaluated: 2018-11-01. Review status: criteria provided, single submitter. Criteria: CeGaT Center For Human Genetics Tuebingen Variant Classification Criteria Version 2. Collection method: clinical testing. Allele origin: germline. Affected: yes. Observed: 1 variant allele.

Literature cited by the submitters: PubMed 27307692 (cited by Labcorp Genetics (formerly Invitae), Labcorp); PubMed 32830442 (cited by Labcorp Genetics (formerly Invitae), Labcorp); PubMed 33510601 (cited by Labcorp Genetics (formerly Invitae), Labcorp and 3billion); PubMed 34014271 (cited by Labcorp Genetics (formerly Invitae), Labcorp); PubMed 34356085 (cited by Labcorp Genetics (formerly Invitae), Labcorp and 3billion).

NM_004076.5(CRYBB3):c.466G>A (p.Gly156Arg)

Gene: CRYBB3 (crystallin beta B3; plus strand). Cytogenetic location: 22q11.23.
Variant type: single nucleotide variant.
Coding change: c.466G>A on transcript NM_004076.5 (MANE Select); coding-DNA position 466, G replaced by A.
Protein change: p.Gly156Arg; replaces glycine 156 with arginine.
Molecular consequence: missense variant.
Genome position (GRCh38, 1-based): chr22:25,205,358, G>A. VCF-style: chr22-25205358-G-A. GRCh37 (hg19) VCF-style: chr22-25601325-G-A.
Other names: short protein forms G156R.
Identifiers: ClinVar variation 534700 (VCV000534700.53), dbSNP rs1203386884, ClinGen allele CA410985487.